The following is an entry in ClinVar:

NM_001130144.3(LTBP3):c.509C>T (p.Pro170Leu)

Gene: LTBP3 (latent transforming growth factor beta binding protein 3; minus strand). Cytogenetic location: 11q13.1.
Variant type: single nucleotide variant.
Coding change: c.509C>T on transcript NM_001130144.3 (MANE Select); coding-DNA position 509, C replaced by T.
Protein change: p.Pro170Leu; replaces proline 170 with leucine.
Molecular consequence: missense variant.
Genome position (GRCh38, 1-based): chr11:65,554,203, G>A on the plus strand (C>T on the coding strand, the complement: LTBP3 is on the minus strand). VCF-style: chr11-65554203-G-A. GRCh37 (hg19) VCF-style: chr11-65321674-G-A.
Other names: c.158C>T, p.Pro53Leu (NM_001164266.1); c.509C>T, p.Pro170Leu (NM_021070.4); short protein forms P53L, P170L.
Identifiers: ClinVar variation 3702729 (VCV003702729.2).

ClinVar aggregate classification (germline): Uncertain significance (1 of 4 stars; one submission).

Conditions:
Brachyolmia-amelogenesis imperfecta syndrome. Also called: PLATYSPONDYLY WITH AMELOGENESIS IMPERFECTA; Tooth agenesis, selective, 6; Dental anomalies and short stature. Identifiers: Orphanet 2899, MedGen C1832594, MONDO:0011018, OMIM 601216. Disease mechanism: loss of function.

Submission:

Labcorp Genetics (formerly Invitae), Labcorp
Classification: Uncertain significance for Brachyolmia-amelogenesis imperfecta syndrome. Last evaluated: 2024-08-19. Review status: criteria provided, single submitter. Criteria: Invitae Variant Classification Sherloc (09022015). Collection method: clinical testing. Allele origin: germline.
Comment: This sequence change replaces proline, which is neutral and non-polar, with leucine, which is neutral and non-polar, at codon 170 of the LTBP3 protein (p.Pro170Leu). The frequency data for this variant in the population databases is considered unreliable, as metrics indicate poor data quality at this position in the gnomAD database. This variant has not been reported in the literature in individuals affected with LTBP3-related conditions. An algorithm developed to predict the effect of missense changes on protein structure and function (PolyPhen-2) suggests that this variant is likely to be tolerated. In summary, the available evidence is currently insufficient to determine the role of this variant in disease. Therefore, it has been classified as a Variant of Uncertain Significance.